The following is an entry in ClinVar:

NM_000642.3(AGL):c.4273T>C (p.Cys1425Arg)

Gene: AGL (amylo-alpha-1,6-glucosidase and 4-alpha-glucanotransferase; plus strand). Cytogenetic location: 1p21.2.
Variant type: single nucleotide variant.
Coding change: c.4273T>C on transcript NM_000642.3 (MANE Select); coding-DNA position 4273, T replaced by C.
Protein change: p.Cys1425Arg; replaces cysteine 1425 with arginine.
Molecular consequence: missense variant.
Genome position (GRCh38, 1-based): chr1:99,916,423, T>C. VCF-style: chr1-99916423-T-C. GRCh37 (hg19) VCF-style: chr1-100381979-T-C.
Other names: c.4273T>C, p.Cys1425Arg (NM_000028.3, NM_000643.3, NM_000644.3 and 1 more transcripts); c.4225T>C, p.Cys1409Arg (NM_000646.3); c.4252T>C, p.Cys1418Arg (NM_001425326.1); c.4072T>C, p.Cys1358Arg (NM_001425327.1); c.4069T>C, p.Cys1357Arg (NM_001425328.1); c.3934T>C, p.Cys1312Arg (NM_001425329.1); c.3895T>C, p.Cys1299Arg (NM_001425332.1); short protein forms C1409R, C1425R, C1299R, C1312R, C1357R, C1358R, C1418R.
Identifiers: ClinVar variation 1419672 (VCV001419672.5), dbSNP rs777134108, ClinGen allele CA967387.

ClinVar aggregate classification (germline): Uncertain significance (1 of 4 stars; one submission).

Conditions:
Glycogen storage disease type III (GSD3). Also called: Cori disease; FORBES DISEASE. Identifiers: Orphanet 366, MedGen C0017922, MONDO:0009291, OMIM 232400.

Allele frequency attached by ClinVar (database versions not stated): gnomAD exomes 0.00001; ExAC 0.00002.
gnomAD v4.1: 5 of 1,610,508 alleles (0.00031%); highest among the groups gnomAD compares: East Asian, 0.0089%; no homozygotes.

Submission:

Labcorp Genetics (formerly Invitae), Labcorp
Classification: Uncertain significance for Glycogen storage disease type III. Last evaluated: 2021-09-02. Review status: criteria provided, single submitter. Criteria: Invitae Variant Classification Sherloc (09022015). Collection method: clinical testing. Allele origin: germline.
Comment: This sequence change replaces cysteine with arginine at codon 1425 of the AGL protein (p.Cys1425Arg). The cysteine residue is moderately conserved and there is a large physicochemical difference between cysteine and arginine. This variant is present in population databases (rs777134108, ExAC 0.01%). This variant has not been reported in the literature in individuals affected with AGL-related conditions. Algorithms developed to predict the effect of missense changes on protein structure and function (SIFT, PolyPhen-2, Align-GVGD) all suggest that this variant is likely to be tolerated. In summary, the available evidence is currently insufficient to determine the role of this variant in disease. Therefore, it has been classified as a Variant of Uncertain Significance.